The following is an entry in ClinVar:

ClinVar aggregate classification (germline): Uncertain significance. Review status: criteria provided, multiple submitters, no conflicts (2 of 4 stars). 2 submissions from 2 submitters: Uncertain significance (2). Last evaluated 2024-04-21.

Conditions:
Mast syndrome. Also called: SPASTIC PARAPLEGIA 21, AUTOSOMAL RECESSIVE. Identifiers: Orphanet 101001, MedGen C1855346, MONDO:0009568, OMIM 248900.

Allele frequency attached by ClinVar (database versions not stated): gnomAD 0.00001; gnomAD exomes 0.00002 and 0.00010; TOPMed 0.00005; ExAC 0.00009.
gnomAD v4.1: 24 of 1,614,126 alleles (0.0015%); highest among the groups gnomAD compares: Admixed American, 0.038%; no homozygotes.

Submissions (2):

Women's Health and Genetics/Laboratory Corporation of America, LabCorp
Classification: Uncertain significance. Last evaluated: 2024-04-21. Review status: criteria provided, single submitter. Criteria: LabCorp Variant Classification Summary - May 2015. Collection method: clinical testing. Allele origin: germline.

Labcorp Genetics (formerly Invitae), Labcorp
Classification: Uncertain significance for Mast syndrome. Last evaluated: 2022-08-11. Review status: criteria provided, single submitter. Criteria: Invitae Variant Classification Sherloc (09022015). Collection method: clinical testing. Allele origin: germline.
Comment: This sequence change falls in intron 8 of the SPG21 gene. It does not directly change the encoded amino acid sequence of the SPG21 protein. It affects a nucleotide within the consensus splice site. This variant is present in population databases (rs751245316, gnomAD 0.07%). This variant has not been reported in the literature in individuals affected with SPG21-related conditions. ClinVar contains an entry for this variant (Variation ID: 1411087). Variants that disrupt the consensus splice site are a relatively common cause of aberrant splicing (PMID: 17576681, 9536098). Algorithms developed to predict the effect of sequence changes on RNA splicing suggest that this variant is not likely to affect RNA splicing. In summary, the available evidence is currently insufficient to determine the role of this variant in disease. Therefore, it has been classified as a Variant of Uncertain Significance.

Literature cited by the submitters: PubMed 17576681 (cited by Labcorp Genetics (formerly Invitae), Labcorp); PubMed 9536098 (cited by Labcorp Genetics (formerly Invitae), Labcorp).

NM_016630.7(SPG21):c.810+3A>G

Gene: SPG21 (SPG21 abhydrolase domain containing, maspardin; minus strand). Cytogenetic location: 15q22.31.
Variant type: single nucleotide variant.
Coding change: c.810+3A>G on transcript NM_016630.7 (MANE Select); 3 bases into the intron after coding-DNA position 810, A replaced by G.
Molecular consequence: intron variant.
Genome position (GRCh38, 1-based): chr15:64,965,317, T>C on the plus strand (A>G on the coding strand, the complement: SPG21 is on the minus strand). VCF-style: chr15-64965317-T-C. GRCh37 (hg19) VCF-style: chr15-65257658-T-C.
Other names: c.729+3A>G (NM_001127890.5); c.810+3A>G (NM_001127889.5).
Identifiers: ClinVar variation 1411087 (VCV001411087.4), dbSNP rs751245316, ClinGen allele CA7612878.
Genomic context (GRCh38, chr15:64,965,317, plus strand): 5'-AAGTCTTTATGTTGCAAACATATGTTGGGCTCAGAGTGCTCTGGGTTTCAAGCTAGGCCT[T>C]ACCTGTACATAAAGATTGACCTCTGCACTTCTGCACAGGTATGGGAAATTGCCTCCTGTT-3'